The following is an entry in ClinVar:

ClinVar aggregate classification (germline): Uncertain significance (1 of 4 stars; one submission).

Conditions:
Amyotrophic lateral sclerosis type 4 (ALS4). Also called: AMYOTROPHIC LATERAL SCLEROSIS 4, JUVENILE; NEURONOPATHY, DISTAL HEREDITARY MOTOR, WITH PYRAMIDAL FEATURES. Identifiers: Orphanet 357043, MedGen C1865409, MONDO:0011223, OMIM 602433.
Spinocerebellar ataxia, autosomal recessive, with axonal neuropathy 2 (SCAN2). Also called: ATAXIA-OCULOMOTOR APRAXIA 2; Ataxia-ocular apraxia-2; Ataxia with Oculomotor Apraxia Type 2; Ataxia with Oculomotor Apraxia. Identifiers: Orphanet 64753, MedGen C1853761, MONDO:0018996, OMIM 606002.

Submission:

Labcorp Genetics (formerly Invitae), Labcorp
Classification: Uncertain significance for Amyotrophic lateral sclerosis type 4; Spinocerebellar ataxia, autosomal recessive, with axonal neuropathy 2. Last evaluated: 2022-07-06. Review status: criteria provided, single submitter. Criteria: Invitae Variant Classification Sherloc (09022015). Collection method: clinical testing. Allele origin: germline.
Comment: In summary, the available evidence is currently insufficient to determine the role of this variant in disease. Therefore, it has been classified as a Variant of Uncertain Significance. Experimental studies have shown that this missense change affects SETX function (PMID: 31957062). Advanced modeling of protein sequence and biophysical properties (such as structural, functional, and spatial information, amino acid conservation, physicochemical variation, residue mobility, and thermodynamic stability) performed at Invitae indicates that this missense variant is expected to disrupt SETX protein function. ClinVar contains an entry for this variant (Variation ID: 536386). This missense change has been observed in individual(s) with amyotrophic lateral sclerosis (PMID: 31957062). This variant is not present in population databases (gnomAD no frequency). This sequence change replaces glutamic acid, which is acidic and polar, with lysine, which is basic and polar, at codon 385 of the SETX protein (p.Glu385Lys).

Literature cited by the submitters: PubMed 31957062.

NM_015046.7(SETX):c.1153G>A (p.Glu385Lys)

Gene: SETX (senataxin; minus strand). Cytogenetic location: 9q34.13.
Variant type: single nucleotide variant.
Coding change: c.1153G>A on transcript NM_015046.7 (MANE Select); coding-DNA position 1153, G replaced by A.
Protein change: p.Glu385Lys; replaces glutamic acid 385 with lysine.
Molecular consequence: missense variant.
Genome position (GRCh38, 1-based): chr9:132,330,445, C>T on the plus strand (G>A on the coding strand, the complement: SETX is on the minus strand). VCF-style: chr9-132330445-C-T. GRCh37 (hg19) VCF-style: chr9-135205832-C-T.
Other names: c.1153G>A, p.Glu385Lys (NM_001351527.2, NM_001351528.2); short protein forms E385K.
Identifiers: ClinVar variation 536386 (VCV000536386.9), dbSNP rs1554821963, ClinGen allele CA375345398.